The following is an entry in ClinVar:

NM_001103.4(ACTN2):c.88C>T (p.Leu30=)

Gene: ACTN2 (actinin alpha 2; plus strand). Cytogenetic location: 1q43.
Variant type: single nucleotide variant.
Coding change: c.88C>T on transcript NM_001103.4 (MANE Select); coding-DNA position 88, C replaced by T.
Protein change: p.Leu30=; no amino-acid change (leucine 30 retained).
Molecular consequence: synonymous variant. On other transcripts: non-coding transcript variant (1).
Genome position (GRCh38, 1-based): chr1:236,686,761, C>T. VCF-style: chr1-236686761-C-T. GRCh37 (hg19) VCF-style: chr1-236850061-C-T.
Other names: c.88C>T, p.Leu30= (NM_001278343.2).
Identifiers: ClinVar variation 3355601 (VCV003355601.1).

ClinVar aggregate classification (germline): Likely benign (0 of 4 stars; one submission).

Conditions:
ACTN2-related disorder. Also called: ACTN2-related disorders; ACTN2 related condition.

gnomAD v4.1: 1 of 1,548,940 alleles (0.000065%); no homozygotes.

Submission:

PreventionGenetics, part of Exact Sciences
Classification: Likely benign for ACTN2-related condition. Last evaluated: 2019-09-17. Review status: no assertion criteria provided. Collection method: clinical testing. Allele origin: germline.
Comment: This variant is classified as likely benign based on ACMG/AMP sequence variant interpretation guidelines (Richards et al. 2015 PMID: 25741868, with internal and published modifications).